The following is an entry in ClinVar:

NM_001375524.1(TRRAP):c.2086C>T (p.Arg696Cys)

Gene: TRRAP (transformation/transcription domain associated protein; plus strand). Cytogenetic location: 7q22.1.
Variant type: single nucleotide variant.
Coding change: c.2086C>T on transcript NM_001375524.1 (MANE Select); coding-DNA position 2086, C replaced by T.
Protein change: p.Arg696Cys; replaces arginine 696 with cysteine.
Molecular consequence: missense variant.
Genome position (GRCh38, 1-based): chr7:98,912,100, C>T. VCF-style: chr7-98912100-C-T. GRCh37 (hg19) VCF-style: chr7-98509723-C-T.
Other names: c.2086C>T, p.Arg696Cys (NM_001244580.2, NM_003496.4); short protein forms R696C.
Identifiers: ClinVar variation 4976167 (VCV004976167.1).

ClinVar aggregate classification (germline): Uncertain significance (1 of 4 stars; one submission).

gnomAD v4.1: 4 of 1,614,182 alleles (0.00025%); highest among the groups gnomAD compares: Non-Finnish European, 0.00034%; no homozygotes.

Submission:

GeneDx
Classification: Uncertain significance. Last evaluated: 2026-03-16. Review status: criteria provided, single submitter. Criteria: GeneDx Variant Classification Process June 2021. Collection method: clinical testing. Allele origin: germline.
Comment: Not observed at significant frequency in large population cohorts (gnomAD); In silico analysis supports that this missense variant has a deleterious effect on protein structure/function; Has not been previously published in association with a TRRAP-related disorder to our knowledge; This variant is associated with the following publications: (PMID: 33229591)